The following is an entry in ClinVar:

NM_207352.4(CYP4V2):c.414-1G>A

Gene: CYP4V2 (cytochrome P450 family 4 subfamily V member 2; plus strand). Cytogenetic location: 4q35.1.
Variant type: single nucleotide variant.
Coding change: c.414-1G>A on transcript NM_207352.4 (MANE Select); the canonical splice acceptor site of the intron before coding-DNA position 414, G replaced by A.
Molecular consequence: splice acceptor variant.
Genome position (GRCh38, 1-based): chr4:186,196,939, G>A. VCF-style: chr4-186196939-G-A. GRCh37 (hg19) VCF-style: chr4-187118093-G-A.
Identifiers: ClinVar variation 1335569 (VCV001335569.41), dbSNP rs767779208, ClinGen allele CA3162555.

ClinVar aggregate classification (germline): Pathogenic/Likely pathogenic. Review status: criteria provided, multiple submitters, no conflicts (2 of 4 stars). 5 submissions from 5 submitters: Pathogenic (2); Likely pathogenic (3). Last evaluated 2025-12-17.

Conditions:
Retinal dystrophy. Also called: Inherited retinal dystrophy. Identifiers: Orphanet 71862, MedGen C0854723, MeSH D058499, MONDO:0019118, HP:0000556.
Bietti crystalline corneoretinal dystrophy (BCD). Also called: BIETTI TAPETORETINAL DEGENERATION WITH MARGINAL CORNEAL DYSTROPHY; Bietti Crystalline Dystrophy. Identifiers: Orphanet 41751, MedGen C1859486, MONDO:0008865, OMIM 210370.
CYP4V2-related disorder. Also called: CYP4V2-related condition; CYP4V2-related disorders.

Allele frequency attached by ClinVar (database versions not stated): TOPMed below 0.00001; gnomAD exomes 0.00006 and 0.00016; gnomAD 0.00014 and 0.00015; ExAC 0.00017.
gnomAD v4.1: 116 of 1,612,158 alleles (0.0072%); highest among the groups gnomAD compares: Non-Finnish European, 0.0027%; no homozygotes.

Submissions (7):

Labcorp Genetics (formerly Invitae), Labcorp
Classification: Likely pathogenic. Last evaluated: 2025-12-17. Review status: criteria provided, single submitter. Criteria: Invitae Variant Classification Sherloc (09022015). Collection method: clinical testing. Allele origin: germline.
Comment: This sequence change affects an acceptor splice site in intron 3 of the CYP4V2 gene. It is expected to disrupt RNA splicing. Variants that disrupt the donor or acceptor splice site typically lead to a loss of protein function (PMID: 16199547), and loss-of-function variants in CYP4V2 are known to be pathogenic (PMID: 15042513, 25118264). This variant is present in population databases (rs767779208, gnomAD 0.1%). Disruption of this splice site has been observed in individual(s) with CYP4V2-related conditions (PMID: 38219857). ClinVar contains an entry for this variant (Variation ID: 1335569). Algorithms developed to predict the effect of sequence changes on RNA splicing suggest that this variant may disrupt the consensus splice site. In summary, the currently available evidence indicates that the variant is pathogenic, but additional data are needed to prove that conclusively. Therefore, this variant has been classified as Likely Pathogenic.

Blueprint Genetics
Classification: Likely pathogenic for CYP4V2-related disorders. Last evaluated: 2024-01-09. Review status: criteria provided, single submitter. Criteria: ACMG Guidelines, 2015. Collection method: clinical testing. Allele origin: germline. Affected: yes. Observed: 5 variant alleles.

Institute of Human Genetics, University of Leipzig Medical Center
Classification: Pathogenic for Bietti crystalline corneoretinal dystrophy. Last evaluated: 2022-06-17. Review status: criteria provided, single submitter. Criteria: ACMG Guidelines, 2015. Collection method: clinical testing. Allele origin: unknown. Affected: yes.
Comment: This variant was identified as compound heterozygous with NM_207352.4:c.801+1G>A._x000D_ Criteria applied: PVS1, PM3_SUP, PP4

CeGaT Center for Human Genetics Tuebingen
Classification: Likely pathogenic. Last evaluated: 2021-12-01. Review status: criteria provided, single submitter. Criteria: CeGaT Center For Human Genetics Tuebingen Variant Classification Criteria Version 2. Collection method: clinical testing. Allele origin: germline. Affected: yes. Observed: 2 variant alleles.

Institute of Human Genetics, Univ. Regensburg, Univ. Regensburg
Classification: Pathogenic for Retinal dystrophy. Last evaluated: 2021-01-01. Review status: criteria provided, single submitter. Criteria: ACMG Guidelines, 2015. Collection method: clinical testing. Allele origin: germline. Affected: yes.

Dr. Peter K. Rogan Lab, Western University
No classification provided (evidence only). Condition: Familial cancer of breast. Review status: no classification provided. Collection method: in vitro. Allele origin: not applicable. Functional consequence: retained intron. Not counted in ClinVar's aggregate classification.

Dr. Peter K. Rogan Lab, Western University
No classification provided (evidence only). Condition: Hepatocellular carcinoma. Review status: no classification provided. Collection method: in vitro. Allele origin: not applicable. Functional consequence: retained intron. Not counted in ClinVar's aggregate classification.

Literature cited by the submitters: PubMed 16199547 (cited by Labcorp Genetics (formerly Invitae), Labcorp); PubMed 15042513 (cited by Labcorp Genetics (formerly Invitae), Labcorp); PubMed 25118264 (cited by Labcorp Genetics (formerly Invitae), Labcorp); PubMed 38219857 (cited by Labcorp Genetics (formerly Invitae), Labcorp); PubMed 31964843 (cited by Institute of Human Genetics, Univ. Regensburg, Univ. Regensburg).